The following is an entry in ClinVar:

NM_001378454.1(ALMS1):c.4762G>A (p.Gly1588Ser)

Gene: ALMS1 (ALMS1 centrosome and basal body associated protein; plus strand). Cytogenetic location: 2p13.1.
Variant type: single nucleotide variant.
Coding change: c.4762G>A on transcript NM_001378454.1 (MANE Select); coding-DNA position 4762, G replaced by A.
Protein change: p.Gly1588Ser; replaces glycine 1588 with serine.
Molecular consequence: missense variant.
Genome position (GRCh38, 1-based): chr2:73,451,289, G>A. VCF-style: chr2-73451289-G-A. GRCh37 (hg19) VCF-style: chr2-73678416-G-A.
Other names: c.4765G>A, p.Gly1589Ser (NM_015120.4); short protein forms G1588S, G1589S.
Identifiers: ClinVar variation 2133873 (VCV002133873.1), dbSNP rs2466102719, ClinGen allele CA347279212.
Genomic context (GRCh38, chr2:73,451,289, plus strand): 5'-TCTACTTCCTACTCATTTGGAGAGAAGCCGATTGTTAACTACAAACAGGCCTTTCCAGAT[G>A]GTCATCTACCTGAAGAGGCTCTGAAAGTTTCCATTGTTTCTGGACCTACTGAAAAAAAGA-3'
Protein context (NP_001365383.1, residues 1578-1598): IVNYKQAFPD[Gly1588Ser]HLPEEALKVS

ClinVar aggregate classification (germline): Uncertain significance (1 of 4 stars; one submission).

Conditions:
Alstrom syndrome (ALMS). Identifiers: Orphanet 64, MedGen C0268425, MONDO:0008763, OMIM 203800.

Allele frequency attached by ClinVar (database versions not stated): gnomAD exomes below 0.00001.
gnomAD v4.1: 1 of 1,613,348 alleles (0.000062%); highest among the groups gnomAD compares: South Asian, 0.0011%; no homozygotes.

Submission:

Labcorp Genetics (formerly Invitae), Labcorp
Classification: Uncertain significance for Alstrom syndrome. Last evaluated: 2022-05-04. Review status: criteria provided, single submitter. Criteria: Invitae Variant Classification Sherloc (09022015). Collection method: clinical testing. Allele origin: germline.
Comment: This sequence change replaces glycine, which is neutral and non-polar, with serine, which is neutral and polar, at codon 1589 of the ALMS1 protein (p.Gly1589Ser). This variant is not present in population databases (gnomAD no frequency). This variant has not been reported in the literature in individuals affected with ALMS1-related conditions. Experimental studies and prediction algorithms are not available or were not evaluated, and the functional significance of this variant is currently unknown. In summary, the available evidence is currently insufficient to determine the role of this variant in disease. Therefore, it has been classified as a Variant of Uncertain Significance.